The following is an entry in ClinVar:

ClinVar aggregate classification (germline): Likely benign (0 of 4 stars; one submission).

Conditions:
SIN3B-related disorder. Also called: SIN3B-related condition.

Allele frequency attached by ClinVar (database versions not stated): 1000 Genomes Project 30x 0.00062; 1000 Genomes Project 0.00080; TOPMed 0.00082; gnomAD 0.00115; ExAC 0.00151; ESP Exome Variant Server 0.00154; gnomAD exomes 0.00163.
gnomAD v4.1: 2,521 of 1,613,942 alleles (0.16%); highest among the groups gnomAD compares: Non-Finnish European, 0.18%; 5 homozygotes.

Submissions (5):

PreventionGenetics, part of Exact Sciences
Classification: Likely benign for SIN3B-related condition. Last evaluated: 2022-02-11. Review status: no assertion criteria provided. Collection method: clinical testing. Allele origin: germline.
Comment: This variant is classified as likely benign based on ACMG/AMP sequence variant interpretation guidelines (Richards et al. 2015 PMID: 25741868, with internal and published modifications).

Dr. Peter K. Rogan Lab, Western University
No classification provided (evidence only). Condition: Familial cancer of breast. Review status: no classification provided. Collection method: in vitro. Allele origin: not applicable. Functional consequence: retained intron. Not counted in ClinVar's aggregate classification.

Dr. Peter K. Rogan Lab, Western University
No classification provided (evidence only). Condition: Hepatocellular carcinoma. Review status: no classification provided. Collection method: in vitro. Allele origin: not applicable. Functional consequence: retained intron. Not counted in ClinVar's aggregate classification.

Dr. Peter K. Rogan Lab, Western University
No classification provided (evidence only). Condition: Malignant tumor of esophagus. Review status: no classification provided. Collection method: in vitro. Allele origin: not applicable. Functional consequence: retained intron. Not counted in ClinVar's aggregate classification.

Dr. Peter K. Rogan Lab, Western University
No classification provided (evidence only). Condition: Malignant tumor of esophagus. Review status: no classification provided. Collection method: in vitro. Allele origin: not applicable. Functional consequence: retained intron. Not counted in ClinVar's aggregate classification.

NM_001297595.2(SIN3B):c.2523C>T (p.Arg841=)

Gene: SIN3B (SIN3 transcription regulator family member B; plus strand). Cytogenetic location: 19p13.11.
Variant type: single nucleotide variant.
Coding change: c.2523C>T on transcript NM_001297595.2 (MANE Select); coding-DNA position 2523, C replaced by T.
Protein change: p.Arg841=; no amino-acid change (arginine 841 retained).
Molecular consequence: synonymous variant.
Genome position (GRCh38, 1-based): chr19:16,871,329, C>T. VCF-style: chr19-16871329-C-T. GRCh37 (hg19) VCF-style: chr19-16982140-C-T.
Other names: NC_000019.9:g.16982140C>T; c.1293C>T, p.Arg431= (NM_001297597.2); c.2619C>T, p.Arg873= (NM_015260.4).
Identifiers: ClinVar variation 3041154 (VCV003041154.3), dbSNP rs61734888, ClinGen allele CA9283469.
Genomic context (GRCh38, chr19:16,871,329, plus strand): 5'-CATGGTGCGGAGCCTGCTGGAGGGCAGCATCGACCCCACGCAGTACGAGGACACCCTACG[C>T]GAGATGTTCACCATCCATGCCTACGTGGGCTTCACCATGGACAAGCTGGTGCAGAACATT-3'
Protein context (NP_001284524.1, residues 831-851): IDPTQYEDTL[Arg841=]EMFTIHAYVG